The following is an entry in ClinVar:

ClinVar aggregate classification (germline): Uncertain significance (1 of 4 stars; one submission).

Submission:

Labcorp Genetics (formerly Invitae), Labcorp
Classification: Uncertain significance. Last evaluated: 2024-04-30. Review status: criteria provided, single submitter. Criteria: Invitae Variant Classification Sherloc (09022015). Collection method: clinical testing. Allele origin: germline.
Comment: This sequence change replaces threonine, which is neutral and polar, with isoleucine, which is neutral and non-polar, at codon 377 of the DDX41 protein (p.Thr377Ile). This variant is not present in population databases (gnomAD no frequency). This variant has not been reported in the literature in individuals affected with DDX41-related conditions. An algorithm developed to predict the effect of missense changes on protein structure and function (PolyPhen-2) suggests that this variant is likely to be disruptive. In summary, the available evidence is currently insufficient to determine the role of this variant in disease. Therefore, it has been classified as a Variant of Uncertain Significance.

NM_016222.4(DDX41):c.1130C>T (p.Thr377Ile)

Gene: DDX41 (DEAD-box helicase 41; minus strand). Cytogenetic location: 5q35.3.
Variant type: single nucleotide variant.
Coding change: c.1130C>T on transcript NM_016222.4 (MANE Select); coding-DNA position 1130, C replaced by T.
Protein change: p.Thr377Ile; replaces threonine 377 with isoleucine.
Molecular consequence: missense variant.
Genome position (GRCh38, 1-based): chr5:177,513,453, G>A on the plus strand (C>T on the coding strand, the complement: DDX41 is on the minus strand). VCF-style: chr5-177513453-G-A. GRCh37 (hg19) VCF-style: chr5-176940454-G-A.
Other names: c.752C>T, p.Thr251Ile (NM_001321732.2, NM_001321830.2); short protein forms T251I, T377I.
Identifiers: ClinVar variation 3651711 (VCV003651711.2).
Genomic context (GRCh38, chr5:177,513,453, plus strand): 5'-TTGATGGTCACAGGCTTTACAAGGGCACTCTTAGCAAAGTTCTGAATCTTCTTCGGCATG[G>A]TGGCACTGAAGAGCAGGGTCTGTCGCTGGCCCTGAGGAAGAGGGGGGCTGCGACCAAGGG-3'
Protein context (NP_057306.2, residues 367-387): GQRQTLLFSA[Thr377Ile]MPKKIQNFAK